The following is an entry in ClinVar:

NM_001211.6(BUB1B):c.1750A>T (p.Ile584Phe)

Gene: BUB1B (BUB1 mitotic checkpoint serine/threonine kinase B; plus strand). Cytogenetic location: 15q15.1.
Variant type: single nucleotide variant.
Coding change: c.1750A>T on transcript NM_001211.6 (MANE Select); coding-DNA position 1750, A replaced by T.
Protein change: p.Ile584Phe; replaces isoleucine 584 with phenylalanine.
Molecular consequence: missense variant.
Genome position (GRCh38, 1-based): chr15:40,206,199, A>T. VCF-style: chr15-40206199-A-T. GRCh37 (hg19) VCF-style: chr15-40498400-A-T.
Other names: short protein forms I584F.
Identifiers: ClinVar variation 4723822 (VCV004723822.1).

ClinVar aggregate classification (germline): Uncertain significance (1 of 4 stars; one submission).

Conditions:
Mosaic variegated aneuploidy syndrome 1 (MVA1). Also called: Warburton-Anyane-Yeboa syndrome. Identifiers: Orphanet 1052, MedGen C1850343, MONDO:0009759, OMIM 257300.

Submission:

Labcorp Genetics (formerly Invitae), Labcorp
Classification: Uncertain significance for Mosaic variegated aneuploidy syndrome 1. Last evaluated: 2025-07-29. Review status: criteria provided, single submitter. Criteria: Invitae Variant Classification Sherloc (09022015). Collection method: clinical testing. Allele origin: germline.
Comment: This sequence change replaces isoleucine, which is neutral and non-polar, with phenylalanine, which is neutral and non-polar, at codon 584 of the BUB1B protein (p.Ile584Phe). This variant is not present in population databases (gnomAD no frequency). This variant has not been reported in the literature in individuals affected with BUB1B-related conditions. An algorithm developed to predict the effect of missense changes on protein structure and function (PolyPhen-2) suggests that this variant is likely to be tolerated. In summary, the available evidence is currently insufficient to determine the role of this variant in disease. Therefore, it has been classified as a Variant of Uncertain Significance.